The following is an entry in ClinVar:

ClinVar aggregate classification (germline): Uncertain significance. Review status: criteria provided, single submitter (1 of 4 stars). 2 submissions from 2 submitters: Uncertain significance (1). 1 of the submissions does not count toward it. Last evaluated 2023-07-25.

Conditions:
SCN3A-related disorder. Also called: SCN3A-related condition.

Submissions (2):

Labcorp Genetics (formerly Invitae), Labcorp
Classification: Uncertain significance. Last evaluated: 2023-07-25. Review status: criteria provided, single submitter. Criteria: Invitae Variant Classification Sherloc (09022015). Collection method: clinical testing. Allele origin: germline.
Comment: In summary, the available evidence is currently insufficient to determine the role of this variant in disease. Therefore, it has been classified as a Variant of Uncertain Significance. This sequence change replaces serine, which is neutral and polar, with glycine, which is neutral and non-polar, at codon 311 of the SCN3A protein (p.Ser311Gly). This variant is not present in population databases (gnomAD no frequency). This variant has not been reported in the literature in individuals affected with SCN3A-related conditions. Advanced modeling of protein sequence and biophysical properties (such as structural, functional, and spatial information, amino acid conservation, physicochemical variation, residue mobility, and thermodynamic stability) performed at Invitae indicates that this missense variant is not expected to disrupt SCN3A protein function.

PreventionGenetics, part of Exact Sciences
Classification: Uncertain significance for SCN3A-related condition. Last evaluated: 2024-08-04. Review status: no assertion criteria provided. Collection method: clinical testing. Allele origin: germline. Not counted in ClinVar's aggregate classification.
Comment: The SCN3A c.931A>G variant is predicted to result in the amino acid substitution p.Ser311Gly. To our knowledge, this variant has not been reported in the literature or in a large population database, indicating this variant is rare. At this time, the clinical significance of this variant is uncertain due to the absence of conclusive functional and genetic evidence.

NM_006922.4(SCN3A):c.931A>G (p.Ser311Gly)

Gene: SCN3A (sodium voltage-gated channel alpha subunit 3; minus strand). Cytogenetic location: 2q24.3.
Variant type: single nucleotide variant.
Coding change: c.931A>G on transcript NM_006922.4 (MANE Select); coding-DNA position 931, A replaced by G.
Protein change: p.Ser311Gly; replaces serine 311 with glycine.
Molecular consequence: missense variant.
Genome position (GRCh38, 1-based): chr2:165,162,592, T>C on the plus strand (A>G on the coding strand, the complement: SCN3A is on the minus strand). VCF-style: chr2-165162592-T-C. GRCh37 (hg19) VCF-style: chr2-166019102-T-C.
Other names: c.931A>G, p.Ser311Gly (NM_001081676.2, NM_001081677.2); c.931A>G (NM_006922.3); short protein forms S311G.
Identifiers: ClinVar variation 2746471 (VCV002746471.4), dbSNP rs2468475923, ClinGen allele CA349238932.